The following is an entry in ClinVar:

ClinVar aggregate classification (germline): Uncertain significance. Review status: criteria provided, multiple submitters, no conflicts (2 of 4 stars). 2 submissions from 2 submitters: Uncertain significance (2). Last evaluated 2025-11-11.

Conditions:
Wilms tumor 1 (WT1). Also called: Wilms tumor, somatic. Identifiers: Orphanet 654, MedGen CN033288, MONDO:0008679, OMIM 194070.
Inborn genetic diseases. Identifiers: MedGen C0950123, MeSH D030342.

Submissions (2):

Ambry Genetics
Classification: Uncertain significance for Inborn genetic diseases. Last evaluated: 2025-11-11. Review status: criteria provided, single submitter. Criteria: Ambry Variant Classification Scheme 2023. Collection method: clinical testing. Allele origin: germline.
Comment: The p.S412N variant (also known as c.1235G>A), located in coding exon 7 of the WT1 gene, results from a G to A substitution at nucleotide position 1235. The serine at codon 412 is replaced by asparagine, an amino acid with highly similar properties. This amino acid position is conserved. In addition, this alteration is predicted to be tolerated by in silico analysis. Based on the available evidence, the clinical significance of this variant remains unclear.

All of Us Research Program, National Institutes of Health
Classification: Uncertain significance for Wilms tumor 1. Last evaluated: 2024-02-22. Review status: criteria provided, single submitter. Criteria: ACMG Guidelines, 2015. Collection method: clinical testing. Allele origin: germline. Inheritance: Autosomal dominant inheritance. Observed: 1 variant allele, 1 heterozygote.
Comment: This missense variant replaces serine with asparagine at codon 412 of the WT1 protein. Computational prediction suggests that this variant may not impact protein structure and function (internally defined REVEL score threshold <= 0.5, PMID: 27666373). To our knowledge, functional studies have not been reported for this variant. This variant has not been reported in individuals affected with WT1-related disorders in the literature. This variant has been identified in 1/251458 chromosomes in the general population by the Genome Aggregation Database (gnomAD). The available evidence is insufficient to determine the role of this variant in disease conclusively. Therefore, this variant is classified as a Variant of Uncertain Significance.

This study involves interpretation of variants in research participants for the purpose of population health screening. Participant phenotype was not available at the time of variant classification. Additional details can be found in publication PMID: 35346344, PMCID: PMC8962531

NM_024426.6(WT1):c.1250G>A (p.Ser417Asn)

Gene: WT1 (WT1 transcription factor; minus strand). Cytogenetic location: 11p13.
Variant type: single nucleotide variant.
Coding change: c.1250G>A on transcript NM_024426.6 (MANE Select); coding-DNA position 1250, G replaced by A.
Protein change: p.Ser417Asn; replaces serine 417 with asparagine.
Molecular consequence: missense variant. On other transcripts: non-coding transcript variant (2).
Genome position (GRCh38, 1-based): chr11:32,396,271, C>T on the plus strand (G>A on the coding strand, the complement: WT1 is on the minus strand). VCF-style: chr11-32396271-C-T. GRCh37 (hg19) VCF-style: chr11-32417817-C-T.
Other names: c.1235G>A (NM_024426.4); c.1199G>A, p.Ser400Asn (NM_000378.6, NM_001407045.1, NM_001407048.1 and 1 more transcripts); c.599G>A, p.Ser200Asn (NM_001198551.2); c.548G>A, p.Ser183Asn (NM_001198552.2); c.62G>A, p.Ser21Asn (NM_001367854.1); c.1244G>A, p.Ser415Asn (NM_001407044.1); c.1250G>A, p.Ser417Asn (NM_001407046.1, NM_024424.5); c.1127G>A, p.Ser376Asn (NM_001407047.1); and 4 more; short protein forms S163N, S183N, S200N, S21N, S327N, S344N, S359N, S376N.
Identifiers: ClinVar variation 3386194 (VCV003386194.2).